The following is an entry in ClinVar:

ClinVar aggregate classification (germline): Uncertain significance (1 of 4 stars; one submission).

Conditions:
Duchenne muscular dystrophy (DMD). Also called: MUSCULAR DYSTROPHY, PSEUDOHYPERTROPHIC PROGRESSIVE, DUCHENNE TYPE; Duchenne Muscular Dystrophy (DMD). Identifiers: Orphanet 98896, MedGen C0013264, MONDO:0010679, OMIM 310200.

Submission:

Labcorp Genetics (formerly Invitae), Labcorp
Classification: Uncertain significance for Duchenne muscular dystrophy. Last evaluated: 2024-03-22. Review status: criteria provided, single submitter. Criteria: Invitae Variant Classification Sherloc (09022015). Collection method: clinical testing. Allele origin: germline.
Comment: This sequence change falls in intron 36 of the DMD gene. It does not directly change the encoded amino acid sequence of the DMD protein. This variant is not present in population databases (gnomAD no frequency). This variant has been observed in individual(s) with Duchenne muscular dystrophy (PMID: 19937601, 35734998; Invitae). Studies have shown that this variant is associated with inconclusive levels of altered splicing (PMID: 35734998). In summary, the available evidence is currently insufficient to determine the role of this variant in disease. Therefore, it has been classified as a Variant of Uncertain Significance.

Literature cited by the submitters: PubMed 19937601; PubMed 35734998.

NM_004006.3(DMD):c.5155-16T>A

Gene: DMD (dystrophin; minus strand). Cytogenetic location: Xp21.1.
Variant type: single nucleotide variant.
Coding change: c.5155-16T>A on transcript NM_004006.3 (MANE Select); 16 bases into the intron before coding-DNA position 5155, T replaced by A.
Molecular consequence: intron variant.
Genome position (GRCh38, 1-based): chrX:32,362,974, A>T on the plus strand (T>A on the coding strand, the complement: DMD is on the minus strand). VCF-style: chrX-32362974-A-T. GRCh37 (hg19) VCF-style: chrX-32381091-A-T.
Other names: c.5131-16T>A (NM_000109.4); c.1132-16T>A (NM_004011.4); c.1123-16T>A (NM_004012.4); c.5143-16T>A (NM_004009.3); c.4786-16T>A (NM_004010.3).
Identifiers: ClinVar variation 3625328 (VCV003625328.2).